The following is an entry in ClinVar:

NM_001267550.2(TTN):c.38898T>A (p.Val12966=)

Gene: TTN (titin; minus strand). Cytogenetic location: 2q31.2.
Variant type: single nucleotide variant.
Coding change: c.38898T>A on transcript NM_001267550.2 (MANE Select); coding-DNA position 38898, T replaced by A.
Protein change: p.Val12966=; no amino-acid change (valine 12966 retained).
Molecular consequence: synonymous variant. On other transcripts: intron variant (5).
Genome position (GRCh38, 1-based): chr2:178,652,909, A>T on the plus strand (T>A on the coding strand, the complement: TTN is on the minus strand). VCF-style: chr2-178652909-A-T. GRCh37 (hg19) VCF-style: chr2-179517636-A-T.
Other names: c.31742-368T>A (NM_133378.4); c.34523-368T>A (NM_001256850.1); c.38898T>A (NM_001267550.1); c.13283-10592T>A (NM_003319.4); c.13859-10592T>A (NM_133437.4); c.13658-10592T>A (NM_133432.3).
Identifiers: ClinVar variation 467102 (VCV000467102.40), dbSNP rs200432936, ClinGen allele CA1996966.

ClinVar aggregate classification (germline): Conflicting classifications of pathogenicity. Review status: criteria provided, conflicting classifications (1 of 4 stars). 5 submissions from 5 submitters: Uncertain significance (2); Likely benign (3). Last evaluated 2026-09-21.

Conditions:
Dilated cardiomyopathy 1G (CMD1G). Identifiers: Orphanet 154, MedGen C1858763, MONDO:0011400, OMIM 604145.
Autosomal recessive limb-girdle muscular dystrophy type 2J (LGMDR10). Also called: Limb-girdle muscular dystrophy, type 2J; MUSCULAR DYSTROPHY, LIMB-GIRDLE, AUTOSOMAL RECESSIVE 10. Identifiers: Orphanet 140922, MedGen C1837342, MONDO:0012127, OMIM 608807.
TTN-related disorder. Also called: TTN-related disorders; TTN-related condition; TTN-related disease.

Allele frequency attached by ClinVar (database versions not stated): ExAC 0.00016; gnomAD exomes 0.00019 and 0.00037; TOPMed 0.00021; gnomAD 0.00023 and 0.00024; ESP Exome Variant Server 0.00035.
gnomAD v4.1: 556 of 1,609,304 alleles (0.035%); highest among the groups gnomAD compares: Non-Finnish European, 0.046%; no homozygotes.

Submissions (5):

PreventionGenetics, part of Exact Sciences
Classification: Uncertain significance for TTN-related condition. Last evaluated: 2026-09-21. Review status: criteria provided, single submitter. Criteria: ACMG Guidelines, 2015. Collection method: clinical testing. Allele origin: germline.
Comment: The TTN c.38898T>A variant is not predicted to result in an amino acid change (p.=). This variant is predicted to impact splicing in the NM_001267550 transcript based on a splicing prediction program (SpliceAI, Jaganathan K, et al. 2019. PubMed ID: 30661751). To our knowledge, this variant has not been reported in the literature. This variant is reported in 0.037% of alleles in individuals of European (Non-Finnish) descent in gnomAD; however, this variant falls within a region of high paralogy and allele frequencies should be interpreted with caution. Although we suspect that this variant may be benign, at this time, the clinical significance of this variant is uncertain due to the absence of conclusive functional and genetic evidence.

GeneDx
Classification: Uncertain significance. Last evaluated: 2026-07-13. Review status: criteria provided, single submitter. Criteria: GeneDx Variant Classification Process June 2021. Collection method: clinical testing. Allele origin: germline.
Comment: Has not been previously published as pathogenic or benign to our knowledge; In silico analysis is inconclusive as to whether the variant alters gene splicing. In the absence of RNA/functional studies, the actual effect of this sequence change is unknown.

Labcorp Genetics (formerly Invitae), Labcorp
Classification: Likely benign for Dilated cardiomyopathy 1G; Autosomal recessive limb-girdle muscular dystrophy type 2J. Last evaluated: 2026-02-03. Review status: criteria provided, single submitter. Criteria: Invitae Variant Classification Sherloc (09022015). Collection method: clinical testing. Allele origin: germline.

Blueprint Genetics
Classification: Likely benign. Last evaluated: 2024-09-10. Review status: criteria provided, single submitter. Criteria: ACMG Guidelines, 2015. Collection method: clinical testing. Allele origin: germline.

CeGaT Center for Human Genetics Tuebingen
Classification: Likely benign. Last evaluated: 2022-08-01. Review status: criteria provided, single submitter. Criteria: CeGaT Center For Human Genetics Tuebingen Variant Classification Criteria Version 2. Collection method: clinical testing. Allele origin: germline. Affected: yes. Observed: 1 variant allele.
Comment: TTN: BP4